The following is an entry in ClinVar:

NM_018075.5(ANO10):c.96del (p.Glu33fs)

Gene: ANO10 (anoctamin 10; minus strand). Cytogenetic location: 3p21.33.
Variant type: Deletion.
Coding change: c.96del on transcript NM_018075.5 (MANE Select); coding-DNA position 96, one base deleted (A; older notation c.96delA).
Protein change: p.Glu33fs; shifts the reading frame from glutamic acid 33.
Molecular consequence: frameshift variant.
Genome position (GRCh38, 1-based): chr3:43,605,757, T deleted on the plus strand (A on the coding strand, the reverse complement: ANO10 is on the minus strand); the first of 3 consecutive T bases (chr3:43,605,757-43,605,759); deleting any one gives the same sequence. VCF-style (leftmost placement, unchanged base first): chr3-43605756-CT-C. GRCh37 (hg19) VCF-style: chr3-43647248-CT-C.
Other names: c.96del, p.Glu33fs (NM_001204831.3, NM_001204832.3, NM_001204833.3 and 8 more transcripts); c.96delA (NM_018075.3); short protein forms E33fs.
Identifiers: ClinVar variation 434215 (VCV000434215.38), dbSNP rs758937084, ClinGen allele CA2341147.
Genomic context (GRCh38, chr3:43,605,756, plus strand): 5'-AGTGACTATTTTACTCACCTCCATCTTTTTTTTTAGCTATAATTCTGTTTTTCAGCCATT[CT>C]TTGGTTTCTTCTTTGACATCCTGAGCAAGTTCTATGACCACCAAAGGTGTGAAAGAACTC-3'

ClinVar aggregate classification (germline): Pathogenic. Review status: criteria provided, multiple submitters, no conflicts (2 of 4 stars). 9 submissions from 9 submitters: Pathogenic (9). Last evaluated 2026-07-01.

Conditions:
ANO10-related disorder. Also called: ANO10-related condition.
Autosomal recessive spinocerebellar ataxia 10. Identifiers: Orphanet 284289, MedGen C3150998, MONDO:0013392, OMIM 613728.

Submissions (9):

CeGaT Center for Human Genetics Tuebingen
Classification: Pathogenic. Last evaluated: 2026-07-01. Review status: criteria provided, single submitter. Criteria: CeGaT Center For Human Genetics Tuebingen Variant Classification Criteria Version 2. Collection method: clinical testing. Allele origin: germline. Affected: yes. Observed: 2 variant alleles.
Comment: ANO10: PVS1, PM3:Strong, PM2

Labcorp Genetics (formerly Invitae), Labcorp
Classification: Pathogenic. Last evaluated: 2026-01-13. Review status: criteria provided, single submitter. Criteria: Invitae Variant Classification Sherloc (09022015). Collection method: clinical testing. Allele origin: germline.
Comment: This sequence change creates a premature translational stop signal (p.Glu33Asnfs*3) in the ANO10 gene. It is expected to result in an absent or disrupted protein product. Loss-of-function variants in ANO10 are known to be pathogenic (PMID: 25089919). This variant is present in population databases (rs758937084, gnomAD 0.02%). This premature translational stop signal has been observed in individual(s) with autosomal recessive spinocerebellar ataxia, (PMID: 29915382, 32816195). ClinVar contains an entry for this variant (Variation ID: 434215). For these reasons, this variant has been classified as Pathogenic.

Athena Diagnostics
Classification: Pathogenic. Last evaluated: 2025-06-11. Review status: criteria provided, single submitter. Criteria: Athena Diagnostics Criteria. Collection method: clinical testing. Allele origin: unknown.
Comment: This variant is expected to result in the loss of a functional protein. The frequency of this variant in the general population is consistent with pathogenicity. This variant has been identified in at least one individual with clinical features associated with this gene. In multiple individuals, this variant has been seen with a single recessive pathogenic variant in the same gene, suggesting this variant may also be pathogenic.

PreventionGenetics, part of Exact Sciences
Classification: Pathogenic for ANO10-related condition. Last evaluated: 2025-04-02. Review status: criteria provided, single submitter. Criteria: ACMG Guidelines, 2015. Collection method: clinical testing. Allele origin: germline.
Comment: The ANO10 c.96delA variant is predicted to result in a frameshift and premature protein termination (p.Glu33Asnfs*3). This variant has been reported in the compound heterozygous state in at least four individuals with clinical features consistent with ANO10-related cerebellar ataxia (Sun et al. 2019. PubMed ID: 29915382; Bogdanova-Mihaylova et al. 2021. PubMed ID: 32816195; Ásbjörnsdóttir et al. 2022. PubMed ID: 35256372; Vaughan et al. 2021. PubMed ID: 34969792). This variant is reported in 0.015% of alleles in individuals of European (non-Finnish) descent in gnomAD. Frameshift variants in ANO10 are expected to be pathogenic. This variant is interpreted as pathogenic.

Fulgent Genetics
Classification: Pathogenic for Autosomal recessive spinocerebellar ataxia 10. Last evaluated: 2024-05-23. Review status: criteria provided, single submitter. Criteria: ACMG Guidelines, 2015. Collection method: clinical testing. Allele origin: germline.

3billion
Classification: Pathogenic for Autosomal recessive spinocerebellar ataxia 10. Last evaluated: 2022-09-01. Review status: criteria provided, single submitter. Criteria: ACMG Guidelines, 2015. Collection method: clinical testing. Allele origin: germline. Affected: yes. Observed: 1 heterozygote.
Comment: The variant is observed at an extremely low frequency in the gnomAD v2.1.1 dataset (total allele frequency: 0.007%). Frameshift variant is predicted to result in a loss or disruption of normal protein function through nonsense-mediated decay (NMD) or protein truncation. Multiple pathogenic variants are reported downstream of the variant. The variant has been reported at least twice as pathogenic with clinical assertions and evidence for the classification (ClinVar ID: VCV000434215 / PMID: 29915382). Therefore, this variant is classified as Pathogenic according to the recommendation of ACMG/AMP guideline.

GeneDx
Classification: Pathogenic. Last evaluated: 2022-05-17. Review status: criteria provided, single submitter. Criteria: GeneDx Variant Classification Process June 2021. Collection method: clinical testing. Allele origin: germline. Affected: yes.
Comment: Frameshift variant predicted to result in protein truncation or nonsense mediated decay in a gene for which loss-of-function is a known mechanism of disease; Not observed at a significant frequency in large population cohorts (gnomAD); This variant is associated with the following publications: (PMID: 29915382, 31589614)

Victorian Clinical Genetics Services, Murdoch Childrens Research Institute
Classification: Pathogenic for Autosomal recessive spinocerebellar ataxia 10. Last evaluated: 2020-05-26. Review status: criteria provided, single submitter. Criteria: ACMG Guidelines, 2015. Collection method: clinical testing. Allele origin: germline. Inheritance: Autosomal recessive inheritance. Affected: yes.
Comment: Based on the classification scheme VCGS_Germline_v1.1.1, this variant is classified as Pathogenic. Following criteria are met: 0102 - Loss-of-function is a known mechanism of disease for this gene. (N) 0106 - This gene is known to be associated with autosomal recessive disease. (N) 0201 - Variant is predicted to cause nonsense-mediated decay (NMD) and loss of protein (exon 2 of 13). (P) 0251 - Variant is heterozygous. (N) 0304 - Variant is present in gnomAD <0.01 for a recessive condition (21 heterozygotes, 0 homozygotes). (P) 0702 - Comparable variants have strong previous evidence for pathogenicity. More than 5 NMD-predicted variants in this gene have been reported as likely pathogenic/pathogenic (ClinVar and PMIDs: 29915382, 21092923). (P) 0802 - Moderate previous evidence of pathogenicity in unrelated individuals. This variant has been reported in a patient with ataxia (PMID: 29915382) and as pathogenic in ClinVar. (P) 0905 - No segregation evidence has been identified for this variant. (N) 1007 - No published functional evidence has been identified for this variant. (N) 1208 - Inheritance information for this variant is not currently available. (N) Legend: (P) - Pathogenic, (N) - Neutral, (B) - Benign

Genetic Services Laboratory, University of Chicago
Classification: Pathogenic for Spinocerebellar ataxia, autosomal recessive 10. Last evaluated: 2015-09-02. Review status: criteria provided, single submitter. Criteria: ACMG Guidelines, 2015. Collection method: clinical testing. Allele origin: germline. Affected: yes.

Literature cited by the submitters: PubMed 25089919 (cited by Labcorp Genetics (formerly Invitae), Labcorp); PubMed 29915382 (cited by 4 submitters); PubMed 32816195 (cited by Labcorp Genetics (formerly Invitae), Labcorp); PubMed 34969792 (cited by Athena Diagnostics); PubMed 35256372 (cited by Athena Diagnostics); PubMed 21092923 (cited by Victorian Clinical Genetics Services, Murdoch Childrens Research Institute).